The following is an entry in ClinVar:

NM_206933.4(USH2A):c.10561T>C (p.Trp3521Arg)

Gene: USH2A (usherin; minus strand). Cytogenetic location: 1q41.
Variant type: single nucleotide variant.
Coding change: c.10561T>C on transcript NM_206933.4 (MANE Select); coding-DNA position 10561, T replaced by C.
Protein change: p.Trp3521Arg; replaces tryptophan 3521 with arginine.
Molecular consequence: missense variant.
Genome position (GRCh38, 1-based): chr1:215,782,762, A>G on the plus strand (T>C on the coding strand, the complement: USH2A is on the minus strand). VCF-style: chr1-215782762-A-G. GRCh37 (hg19) VCF-style: chr1-215956104-A-G.
Other names: short protein forms W3521R.
Identifiers: ClinVar variation 48352 (VCV000048352.72), dbSNP rs111033264, ClinGen allele CA262058.

ClinVar aggregate classification (germline): Pathogenic/Likely pathogenic. Review status: criteria provided, multiple submitters, no conflicts (2 of 4 stars). 22 submissions from 21 submitters: Pathogenic (15); Likely pathogenic (4). 3 of the submissions do not count toward it. Last evaluated 2025-12-08.

Conditions:
USH2A-related disorder. Also called: USH2A-related disorders; USH2A-related condition. Identifiers: MedGen CN239332.
Rare genetic deafness. Identifiers: Orphanet 96210, MedGen C5680250.
Usher syndrome. Also called: Usher Syndromes; Usher's syndrome. Identifiers: Orphanet 886, MedGen CN469326, MeSH D052245, MONDO:0019501. Disease mechanism: loss of function.
Retinal dystrophy. Also called: Inherited retinal dystrophy. Identifiers: Orphanet 71862, MedGen C0854723, MeSH D058499, MONDO:0019118, HP:0000556.
Retinitis pigmentosa 39 (RP39). Identifiers: Orphanet 791, MedGen C3151138, MONDO:0013436, OMIM 613809.
Usher syndrome type 2A. Also called: RETINAL DISEASE IN USHER SYNDROME TYPE IIA, MODIFIER OF; USHER SYNDROME, TYPE IIA. Identifiers: Orphanet 231178, Orphanet 886, MedGen C1848634, MONDO:0010169, OMIM 276901.
Retinal disorder. Also called: Retinopathy; Retinal disorders; Retinopathies; Retinal Diseases. Identifiers: MedGen C0035309, MONDO:0005283, HP:0000488.

Allele frequency attached by ClinVar (database versions not stated): ExAC 0.00002; TOPMed 0.00005; gnomAD 0.00007 and 0.00006; gnomAD exomes 0.00003 and 0.00002.
gnomAD v4.1: 48 of 1,613,710 alleles (0.003%); highest among the groups gnomAD compares: Admixed American, 0.005%; no homozygotes.

Submissions 1 to 16 of 22:

Genetics Laboratory, Great Ormond Street Hospital NHS Foundation Trust, North Thames Genomic Laboratory Hub
Classification: Pathogenic for Retinal disorders. Last evaluated: 2025-12-08. Review status: criteria provided, single submitter. Criteria: ACGS Best Practice Guidelines for Variant Classification in Rare Disease 2024 v1.2. Collection method: clinical testing. Allele origin: germline. Affected: yes.
Comment: PM2_moderate, PM3_very-strong, PP4_supporting

Labcorp Genetics (formerly Invitae), Labcorp
Classification: Pathogenic. Last evaluated: 2025-11-19. Review status: criteria provided, single submitter. Criteria: Invitae Variant Classification Sherloc (09022015). Collection method: clinical testing. Allele origin: germline.
Comment: This sequence change replaces tryptophan, which is neutral and slightly polar, with arginine, which is basic and polar, at codon 3521 of the USH2A protein (p.Trp3521Arg). This variant is present in population databases (rs111033264, gnomAD 0.006%). This missense change has been observed in individual(s) with retinitis pigmentosa (RP) or Usher syndrome (PMID: 24265693, 26969326). In at least one individual the data is consistent with being in trans (on the opposite chromosome) from a pathogenic variant. It has also been observed to segregate with disease in related individuals. ClinVar contains an entry for this variant (Variation ID: 48352). Invitae Evidence Modeling of protein sequence and biophysical properties (such as structural, functional, and spatial information, amino acid conservation, physicochemical variation, residue mobility, and thermodynamic stability) indicates that this missense variant is expected to disrupt USH2A protein function with a positive predictive value of 80%. For these reasons, this variant has been classified as Pathogenic.

PreventionGenetics, part of Exact Sciences
Classification: Pathogenic for USH2A-related condition. Last evaluated: 2025-10-22. Review status: criteria provided, single submitter. Criteria: ACMG Guidelines, 2015. Collection method: clinical testing. Allele origin: germline.
Comment: The USH2A c.10561T>C variant is predicted to result in the amino acid substitution p.Trp3521Arg. This variant has been reported in multiple individuals with Usher syndrome type IIa or non-syndromic retinitis pigmentosa (see for example: Dreyer et al. 2008. PubMed ID: 18273898; Eisenberger et al. 2013. PubMed ID: 24265693; McGee et al. 2010. PubMed ID: 20507924, Supplementary table 1, Weisschuh et al. 2024. PubMed ID: 37734845). This variant is reported in 0.0054% of alleles in individuals of European (Non-Finnish) descent in gnomAD. This variant has been interpreted as pathogenic or likely pathogenic by multiple independent submitters to the ClinVar database. This variant is interpreted as pathogenic.

Bioscientia Institut fuer Medizinische Diagnostik GmbH, Sonic Healthcare
Classification: Pathogenic for Usher syndrome type 2A; Retinitis pigmentosa 39. Last evaluated: 2025-04-11. Review status: criteria provided, single submitter. Criteria: ACMG Guidelines, 2015. Collection method: clinical testing. Allele origin: germline. Affected: yes.

Natera, Inc.
Classification: Pathogenic for Usher syndrome type 2A. Last evaluated: 2025-03-21. Review status: criteria provided, single submitter. Criteria: Natera Variant Classification Schema (03/2026). Collection method: clinical testing. Allele origin: germline.
Comment: The c.10561T>C variant in USH2A is a missense variant predicted to cause substitution of tryptophan to arginine at amino acid 3521. This variant is rare in the general population with a frequency below the threshold expected for the associated phenotype(s). This variant has been observed in one or more individuals affected with the associated recessive disease, as either homozygous or compound heterozygous with a second variant (PMID: 27318125, 22135276). Given the available evidence, this variant is classified as Pathogenic.

Blueprint Genetics
Classification: Pathogenic for USH2A-related disorders. Last evaluated: 2024-11-11. Review status: criteria provided, single submitter. Criteria: ACMG Guidelines, 2015. Collection method: clinical testing. Allele origin: germline. Affected: yes. Observed: 5 variant alleles.

CeGaT Center for Human Genetics Tuebingen
Classification: Pathogenic. Last evaluated: 2024-09-01. Review status: criteria provided, single submitter. Criteria: CeGaT Center For Human Genetics Tuebingen Variant Classification Criteria Version 2. Collection method: clinical testing. Allele origin: germline. Affected: yes. Observed: 5 variant alleles.
Comment: USH2A: PM3:Very Strong, PM2

Fulgent Genetics
Classification: Pathogenic for Usher syndrome type 2A; Retinitis pigmentosa 39. Last evaluated: 2024-06-12. Review status: criteria provided, single submitter. Criteria: ACMG Guidelines, 2015. Collection method: clinical testing. Allele origin: germline.

Baylor Genetics
Classification: Pathogenic for Retinitis pigmentosa 39. Last evaluated: 2024-03-04. Review status: criteria provided, single submitter. Criteria: ACMG Guidelines, 2015. Collection method: clinical testing. Allele origin: unknown.

GeneDx
Classification: Pathogenic. Last evaluated: 2024-01-16. Review status: criteria provided, single submitter. Criteria: GeneDx Variant Classification Process June 2021. Collection method: clinical testing. Allele origin: germline. Affected: yes.
Comment: Not observed at significant frequency in large population cohorts (gnomAD); In silico analysis supports that this missense variant has a deleterious effect on protein structure/function; This variant is associated with the following publications: (PMID: 26969326, 20507924, 23591405, 27460420, 28041643, 30718709, 32531858, 24265693, 18273898, 22135276, 27318125, 28559085, 32581362, 36011334, 35266249, 32037395, 31964843, 36524988, 32313182, 34440443, 34662339, 25999674, 34906470, 36785559, 27957503, 32281467, 28944237)

Genome-Nilou Lab
Classification: Likely pathogenic for Retinitis pigmentosa 39. Last evaluated: 2023-11-04. Review status: criteria provided, single submitter. Criteria: ACMG Guidelines, 2015. Collection method: clinical testing. Allele origin: germline. Affected: no.

Genome-Nilou Lab
Classification: Likely pathogenic for Usher syndrome type 2A. Last evaluated: 2023-11-04. Review status: criteria provided, single submitter. Criteria: ACMG Guidelines, 2015. Collection method: clinical testing. Allele origin: germline. Affected: no.

Women's Health and Genetics/Laboratory Corporation of America, LabCorp
Classification: Pathogenic for Usher syndrome. Last evaluated: 2022-01-19. Review status: criteria provided, single submitter. Criteria: LabCorp Variant Classification Summary - May 2015. Collection method: clinical testing. Allele origin: germline.
Comment: Variant summary: USH2A c.10561T>C (p.Trp3521Arg) results in a non-conservative amino acid change located in the Fibronectin type III domain (IPR003961) of the encoded protein sequence. Four of five in-silico tools predict a damaging effect of the variant on protein function. The variant allele was found at a frequency of 2.4e-05 in 251148 control chromosomes. c.10561T>C has been reported in the literature as a biallelic genotype in multiple individuals affected with Usher Syndrome (example, Eisenberger_2013, Bonnet_2016). These data indicate that the variant is very likely to be associated with disease. To our knowledge, no experimental evidence demonstrating an impact on protein function has been reported. Multiple clinical diagnostic laboratories have submitted clinical-significance assessments for this variant to ClinVar after 2014 without evidence for independent evaluation. All laboratories classified the variant as pathogenic/likely pathogenic. Based on the evidence outlined above, the variant was classified as pathogenic.

Institute of Medical Genetics and Applied Genomics, University Hospital Tübingen
Classification: Pathogenic. Last evaluated: 2021-09-15. Review status: criteria provided, single submitter. Criteria: ACMG Guidelines, 2015. Collection method: clinical testing. Allele origin: germline. Inheritance: Autosomal recessive inheritance. Affected: yes.

Ocular Genomics Institute, Massachusetts Eye and Ear
Classification: Likely pathogenic for Retinitis pigmentosa 39. Last evaluated: 2021-04-08. Review status: criteria provided, single submitter. Criteria: ACMG Guidelines, 2015. Collection method: research. Allele origin: germline. Affected: yes.
Comment: Through a review of available evidence we were able to apply the following criteria: PM2, PM3, PP3, PP4. Based on this evidence we have classified this variant as Likely Pathogenic.

Centre of Medical Genetics, University Hospital Muenster
Classification: Pathogenic. Last evaluated: 2021-03-05. Review status: criteria provided, single submitter. Criteria: ACMG Guidelines, 2015. Collection method: clinical testing. Allele origin: unknown. Affected: yes. Observed: 1 variant allele, 1 heterozygote.
Comment: ACMG categories: PS3,PM2,PP1,PP3,PP4,PP5